The following is an entry in ClinVar:

NM_001184.4(ATR):c.1711G>T (p.Asp571Tyr)

Gene: ATR (ATR checkpoint kinase; minus strand). Cytogenetic location: 3q23.
Variant type: single nucleotide variant.
Coding change: c.1711G>T on transcript NM_001184.4 (MANE Select); coding-DNA position 1711, G replaced by T.
Protein change: p.Asp571Tyr; replaces aspartic acid 571 with tyrosine.
Molecular consequence: missense variant.
Genome position (GRCh38, 1-based): chr3:142,559,272, C>A on the plus strand (G>T on the coding strand, the complement: ATR is on the minus strand). VCF-style: chr3-142559272-C-A. GRCh37 (hg19) VCF-style: chr3-142278114-C-A.
Other names: c.1519G>T, p.Asp507Tyr (NM_001354579.2); short protein forms D507Y, D571Y.
Identifiers: ClinVar variation 2567790 (VCV002567790.2), dbSNP rs2108479467, ClinGen allele CA354821799.

ClinVar aggregate classification (germline): Uncertain significance (1 of 4 stars; one submission).

Conditions:
Inborn genetic diseases. Identifiers: MedGen C0950123, MeSH D030342.

Submission:

Ambry Genetics
Classification: Uncertain significance for Inborn genetic diseases. Last evaluated: 2023-03-27. Review status: criteria provided, single submitter. Criteria: Ambry Variant Classification Scheme 2023. Collection method: clinical testing. Allele origin: germline.
Comment: The p.D571Y variant (also known as c.1711G>T), located in coding exon 7 of the ATR gene, results from a G to T substitution at nucleotide position 1711. The aspartic acid at codon 571 is replaced by tyrosine, an amino acid with highly dissimilar properties. This amino acid position is conserved. In addition, the in silico prediction for this alteration is inconclusive. Since supporting evidence is limited at this time, the clinical significance of this alteration remains unclear.